The following is an entry in ClinVar:

NM_015465.5(GEMIN5):c.4359+1G>T

Gene: GEMIN5 (gem nuclear organelle associated protein 5; minus strand). Cytogenetic location: 5q33.2.
Variant type: single nucleotide variant.
Coding change: c.4359+1G>T on transcript NM_015465.5 (MANE Select); the canonical splice donor site of the intron after coding-DNA position 4359, G replaced by T.
Molecular consequence: splice donor variant.
Genome position (GRCh38, 1-based): chr5:154,889,320, C>A on the plus strand (G>T on the coding strand, the complement: GEMIN5 is on the minus strand). VCF-style: chr5-154889320-C-A. GRCh37 (hg19) VCF-style: chr5-154268880-C-A.
Other names: c.4356+1G>T (NM_001252156.2).
Identifiers: ClinVar variation 928549 (VCV000928549.2), dbSNP rs1763176914, ClinGen allele CA361937239.

ClinVar aggregate classification (germline): Likely pathogenic (1 of 4 stars; one submission).

Conditions:
GEMIN5-related disorder. Also called: GEMIN5-related condition; GEMIN5-Related Disorders.

Allele frequency attached by ClinVar (database versions not stated): TOPMed below 0.00001.

Submission:

Women's Health and Genetics/Laboratory Corporation of America, LabCorp
Classification: Likely pathogenic for GEMIN5-Related Disorders. Last evaluated: 2021-07-20. Review status: criteria provided, single submitter. Criteria: LabCorp Variant Classification Summary - May 2015. Collection method: clinical testing. Allele origin: germline.
Comment: Variant summary: GEMIN5 c.4359+1G>T is located in a canonical splice-site and is predicted to affect mRNA splicing resulting in a significantly altered protein due to either exon skipping, shortening, or inclusion of intronic material. Several computational tools predict a significant impact on normal splicing: 4/4 predict the variant abolishes a 5' splicing donor site. However, these predictions have yet to be confirmed by functional studies. The variant was absent in 251188 control chromosomes (gnomAD). To our knowledge, no occurrence of c.4359+1G>T in individuals affected with GEMIN5-Related Disorders and no experimental evidence demonstrating its impact on protein function have been reported. However, a recent study (Kour_2021) reported 30 patients presenting with developmental delay, hypotonia, motor dysfunction, and cerebellar atrophy, harboring biallelic variants in the GEMIN5 gene, and four of the identified variants were predicted to result in loss-of-function (i.e. splice-site and frame-shift variants). In addition, Kour et al. demonstrated that pathogenic biallelic variants perturbed the subcellular distribution, and decreased the stability and expression of the GEMIN5 protein, resulting in impaired snRNP assembly; in addition, knock-down of the fly homolog of human GEMIN5, lead to motor dysfunction and developmental delay similar to human patients, suggesting a potential loss of function mechanism (Kour_2021). No clinical diagnostic laboratories have submitted clinical-significance assessments for this variant to ClinVar after 2014. Based on the evidence outlined above, the variant was classified as likely pathogenic.

Literature cited by the submitters: PubMed 33963192.